The following is an entry in ClinVar:

ClinVar aggregate classification (germline): Pathogenic. Review status: criteria provided, multiple submitters, no conflicts (2 of 4 stars). 8 submissions from 8 submitters: Pathogenic (8). Last evaluated 2026-01-19.

Conditions:
ADSL-related disorder. Also called: ADSL-related condition.
Adenylosuccinate lyase deficiency (ADSLD). Also called: ADSL DEFICIENCY. Identifiers: Orphanet 46, MedGen C0268126, MONDO:0007068, OMIM 103050.

Allele frequency attached by ClinVar (database versions not stated): ExAC 0.00001; gnomAD exomes 0.00001 and 0.00002; TOPMed 0.00005.
gnomAD v4.1: 24 of 1,614,142 alleles (0.0015%); highest among the groups gnomAD compares: Admixed American, 0.005%; no homozygotes.

Submissions (8):

Labcorp Genetics (formerly Invitae), Labcorp
Classification: Pathogenic for Adenylosuccinate lyase deficiency. Last evaluated: 2026-01-19. Review status: criteria provided, single submitter. Criteria: Invitae Variant Classification Sherloc (09022015). Collection method: clinical testing. Allele origin: germline.
Comment: This sequence change creates a premature translational stop signal (p.Arg190*) in the ADSL gene. It is expected to result in an absent or disrupted protein product. Loss-of-function variants in ADSL are known to be pathogenic (PMID: 10888601, 20177786). This variant is present in population databases (rs750614500, gnomAD 0.01%). This premature translational stop signal has been observed in individual(s) with adenylosuccinate lyase deficiency (PMID: 15571235). ClinVar contains an entry for this variant (Variation ID: 204814). For these reasons, this variant has been classified as Pathogenic.

Mayo Clinic Laboratories, Mayo Clinic
Classification: Pathogenic. Last evaluated: 2024-02-13. Review status: criteria provided, single submitter. Criteria: ACMG Guidelines, 2015. Collection method: clinical testing. Allele origin: germline. Observed: 1 variant allele.
Comment: PP4, PM2_moderate, PVS1

GeneDx
Classification: Pathogenic. Last evaluated: 2024-01-28. Review status: criteria provided, single submitter. Criteria: GeneDx Variant Classification Process June 2021. Collection method: clinical testing. Allele origin: germline. Affected: yes.
Comment: Nonsense variant predicted to result in protein truncation or nonsense mediated decay in a gene for which loss-of-function is a known mechanism of disease; Not observed at significant frequency in large population cohorts (gnomAD); This variant is associated with the following publications: (PMID: 25525159, 21122112, 16839792, 15571235)

Daryl Scott Lab, Baylor College of Medicine
Classification: Pathogenic for Adenylosuccinate lyase deficiency. Last evaluated: 2024-01-01. Review status: criteria provided, single submitter. Criteria: ACMG Guidelines, 2015. Collection method: clinical testing. Allele origin: maternal. Observed: 1 heterozygote.
Comment: PVS1, PS3, PM2, PP4

Genetic Services Laboratory, University of Chicago
Classification: Pathogenic. Last evaluated: 2023-07-11. Review status: criteria provided, single submitter. Criteria: ACMG Guidelines, 2015. Collection method: clinical testing. Allele origin: germline. Affected: yes.
Comment: DNA sequence analysis of the ADSL gene demonstrated a sequence change, c.568C>T, which results in the creation of a premature stop codon at amino acid position 190, p.Arg190*. This sequence change is predicted to result in an abnormal transcript, which may be degraded, or may lead to the production of a truncated ADSL protein with potentially abnormal function. This sequence change has been described in the gnomAD database with a global frequency of 0.0011% (dbSNP rs750614500). This sequence change has previously been described with another sequence change in the same gene in an individual with ADSL deficiency characterized by neonatal encephalopathy, seizures and hypotonia (PMID: 15571235). Loss-of-function variants in ADSL have been reportd to be pathogenic (PMID: 10888601, 20177786). These collective evidences indicate that this sequence change is pathogenic, however functional studies have not been performed to prove this conclusively.

PreventionGenetics, part of Exact Sciences
Classification: Pathogenic for ADSL-related condition. Last evaluated: 2022-11-21. Review status: criteria provided, single submitter. Criteria: ACMG Guidelines, 2015. Collection method: clinical testing. Allele origin: germline.
Comment: The ADSL c.568C>T variant is predicted to result in premature protein termination (p.Arg190*). This variant was reported in an individual with adenylosuccinate lyase deficiency (Reported as c.572C>T, R190X in Marinaki et al 2004. PubMed ID: 15571235) This variant is reported in 0.0099% of alleles in individuals of Ashkenazi Jewish descent in gnomAD. Nonsense variants in ADSL are expected to be pathogenic. This variant is interpreted as pathogenic.

Fulgent Genetics
Classification: Pathogenic for Adenylosuccinate lyase deficiency. Last evaluated: 2018-10-31. Review status: criteria provided, single submitter. Criteria: ACMG Guidelines, 2015. Collection method: clinical testing. Allele origin: unknown.

Athena Diagnostics
Classification: Pathogenic. Last evaluated: 2018-04-30. Review status: criteria provided, single submitter. Criteria: Athena Diagnostics Criteria. Collection method: clinical testing. Allele origin: germline.

Literature cited by the submitters: PubMed 10888601 (cited by Labcorp Genetics (formerly Invitae), Labcorp); PubMed 20177786 (cited by Labcorp Genetics (formerly Invitae), Labcorp); PubMed 15571235 (cited by 3 submitters); PubMed 21122112 (cited by Mayo Clinic Laboratories, Mayo Clinic).

NM_000026.4(ADSL):c.568C>T (p.Arg190Ter)

Gene: ADSL (adenylosuccinate lyase; plus strand). Cytogenetic location: 22q13.1.
Variant type: single nucleotide variant.
Coding change: c.568C>T on transcript NM_000026.4 (MANE Select); coding-DNA position 568, C replaced by T.
Protein change: p.Arg190Ter; replaces arginine 190 with a stop codon.
Molecular consequence: nonsense. On other transcripts: non-coding transcript variant (1).
Genome position (GRCh38, 1-based): chr22:40,358,949, C>T. VCF-style: chr22-40358949-C-T. GRCh37 (hg19) VCF-style: chr22-40754953-C-T.
Other names: p.R190*:CGA>TGA; p.Arg190*; c.568C>T, p.Arg190Ter (NM_001123378.3, NM_001363840.3); c.376C>T, p.Arg126Ter (NM_001317923.2); short protein forms R190*, R126*.
Identifiers: ClinVar variation 204814 (VCV000204814.21), dbSNP rs750614500, ClinGen allele CA313142.
Genomic context (GRCh38, chr22:40,358,949, plus strand): 5'-AAACGTTGCTGTCTTTGGATTCAGGATCTTTGCATGGATCTCCAGAACTTGAAGCGTGTC[C>T]GAGATGACCTGCGCTTCCGGGGAGTAAAGGGTACCACTGGCACTCAGGCCAGTTTCCTGC-3'